The following is an entry in ClinVar:

NM_000553.6(WRN):c.2123C>T (p.Ser708Phe)

Gene: WRN (WRN RecQ like helicase; plus strand). Cytogenetic location: 8p12.
Variant type: single nucleotide variant.
Coding change: c.2123C>T on transcript NM_000553.6 (MANE Select); coding-DNA position 2123, C replaced by T.
Protein change: p.Ser708Phe; replaces serine 708 with phenylalanine.
Molecular consequence: missense variant.
Genome position (GRCh38, 1-based): chr8:31,111,649, C>T. VCF-style: chr8-31111649-C-T. GRCh37 (hg19) VCF-style: chr8-30969165-C-T.
Other names: short protein forms S708F.
Identifiers: ClinVar variation 458407 (VCV000458407.6), dbSNP rs11574289, ClinGen allele CA4704652.

ClinVar aggregate classification (germline): Uncertain significance (1 of 4 stars; one submission).

Conditions:
Werner syndrome (WRN). Identifiers: Orphanet 902, MedGen C0043119, MONDO:0010196, OMIM 277700.

Allele frequency attached by ClinVar (database versions not stated): gnomAD exomes below 0.00001 and 0.00001; ExAC 0.00001; gnomAD 0.00002; TOPMed 0.00002.
gnomAD v4.1: 4 of 1,613,928 alleles (0.00025%); highest among the groups gnomAD compares: African/African-American, 0.0053%; no homozygotes.

Submission:

Labcorp Genetics (formerly Invitae), Labcorp
Classification: Uncertain significance for Werner syndrome. Last evaluated: 2024-10-10. Review status: criteria provided, single submitter. Criteria: Invitae Variant Classification Sherloc (09022015). Collection method: clinical testing. Allele origin: germline.
Comment: This sequence change replaces serine, which is neutral and polar, with phenylalanine, which is neutral and non-polar, at codon 708 of the WRN protein (p.Ser708Phe). This variant is present in population databases (rs11574289, gnomAD 0.02%). This variant has not been reported in the literature in individuals affected with WRN-related conditions. ClinVar contains an entry for this variant (Variation ID: 458407). An algorithm developed to predict the effect of missense changes on protein structure and function (PolyPhen-2) suggests that this variant is likely to be disruptive. In summary, the available evidence is currently insufficient to determine the role of this variant in disease. Therefore, it has been classified as a Variant of Uncertain Significance.